The following is an entry in ClinVar:

NM_024675.4(PALB2):c.3464C>T (p.Ser1155Phe)

Gene: PALB2 (partner and localizer of BRCA2; minus strand). Cytogenetic location: 16p12.2.
Variant type: single nucleotide variant.
Coding change: c.3464C>T on transcript NM_024675.4 (MANE Select); coding-DNA position 3464, C replaced by T.
Protein change: p.Ser1155Phe; replaces serine 1155 with phenylalanine.
Molecular consequence: missense variant.
Genome position (GRCh38, 1-based): chr16:23,603,556, G>A on the plus strand (C>T on the coding strand, the complement: PALB2 is on the minus strand). VCF-style: chr16-23603556-G-A. GRCh37 (hg19) VCF-style: chr16-23614877-G-A.
Other names: c.3404C>T, p.Ser1135Phe (NM_001407296.1); c.3392C>T, p.Ser1131Phe (NM_001407297.1); c.3302C>T, p.Ser1101Phe (NM_001407298.1); c.3227C>T, p.Ser1076Phe (NM_001407299.1); c.3185C>T, p.Ser1062Phe (NM_001407300.1); c.*99C>T (NM_001407301.1, NM_001407302.1, NM_001407310.1 and 2 more transcripts); c.2579C>T, p.Ser860Phe (NM_001407304.1, NM_001407305.1, NM_001407306.1); c.2417C>T, p.Ser806Phe (NM_001407307.1); and 3 more; short protein forms S1062F, S1076F, S1155F, S559F, S860F, S1101F, S333F, S781F.
Identifiers: ClinVar variation 1731664 (VCV001731664.2), dbSNP rs755609496, ClinGen allele CA395138048.
Genomic context (GRCh38, chr16:23,603,556, plus strand): 5'-TGTCCAGCCAGCAAATGAGAGTCTGTACCCGACCATTTCACAAAAGACCAATGTTGGTCA[G>A]AGACAGGTGGGAGGAGGGCAGTACACTGACCGAGAAGTAAGTCCCAAATGGCAATTGTTC-3'
Protein context (NP_078951.2, residues 1145-1165): GQCTALLPPV[Ser1155Phe]DQHWSFVKWS

ClinVar aggregate classification (germline): Uncertain significance (1 of 4 stars; one submission).

Conditions:
Hereditary cancer-predisposing syndrome. Also called: Neoplastic Syndromes, Hereditary; Tumor predisposition; Hereditary Cancer Syndrome; Hereditary neoplastic syndrome. Identifiers: Orphanet 140162, MedGen C0027672, MeSH D009386, MONDO:0015356.

Submission:

Ambry Genetics
Classification: Uncertain significance for Hereditary cancer-predisposing syndrome. Last evaluated: 2020-03-30. Review status: criteria provided, single submitter. Criteria: Ambry Variant Classification Scheme 2023. Collection method: clinical testing. Allele origin: germline.
Comment: The p.S1155F variant (also known as c.3464C>T), located in coding exon 13 of the PALB2 gene, results from a C to T substitution at nucleotide position 3464. The serine at codon 1155 is replaced by phenylalanine, an amino acid with highly dissimilar properties. This amino acid position is well conserved in available vertebrate species. In addition, this alteration is predicted to be tolerated by in silico analysis. Since supporting evidence is limited at this time, the clinical significance of this alteration remains unclear.